The following is an entry in ClinVar:

ClinVar aggregate classification (germline): Likely pathogenic. Review status: criteria provided, multiple submitters, no conflicts (2 of 4 stars). 2 submissions from 2 submitters: Likely pathogenic (2). Last evaluated 2024-03-31.

Conditions:
Retinitis pigmentosa 25 (RP25). Identifiers: Orphanet 791, MedGen C1864446, MONDO:0011272, OMIM 602772.
EYS-related disorder. Also called: EYS-related condition.

Submissions (2):

Natera, Inc.
Classification: Likely pathogenic for Retinitis pigmentosa type 25. Last evaluated: 2024-03-31. Review status: criteria provided, single submitter. Criteria: Natera Variant Classification Schema (03/2026). Collection method: clinical testing. Allele origin: germline.
Comment: The c.2885delT variant in EYS is a frameshift variant predicted to shift the reading frame beginning at codon 962 and leads to a stop codon 6 codons downstream. This variant is expected to result in nonsense mediated decay, truncation, or a dysfunctional protein product. This variant is rare in the general population with a frequency below the threshold expected for the associated phenotype(s). Given the available evidence, this variant is classified as Likely Pathogenic.

Blueprint Genetics
Classification: Likely pathogenic for EYS-related disorders. Last evaluated: 2021-02-03. Review status: criteria provided, single submitter. Criteria: ACMG Guidelines, 2015. Collection method: clinical testing. Allele origin: germline. Affected: yes. Observed: 1 variant allele.

NM_001142800.2(EYS):c.2885del (p.Phe962fs)

Gene: EYS (EGF-like photoreceptor maintenance factor; minus strand). Cytogenetic location: 6q12.
Variant type: Deletion.
Coding change: c.2885del on transcript NM_001142800.2 (MANE Select); coding-DNA position 2885, one base deleted (T; older notation c.2885delT).
Protein change: p.Phe962fs; shifts the reading frame from phenylalanine 962.
Molecular consequence: frameshift variant.
Genome position (GRCh38, 1-based): chr6:64,886,804, A deleted on the plus strand (T on the coding strand, the reverse complement: EYS is on the minus strand); the first of 2 consecutive A bases (chr6:64,886,804-64,886,805); deleting either gives the same sequence. VCF-style (leftmost placement, unchanged base first): chr6-64886803-GA-G. GRCh37 (hg19) VCF-style: chr6-65596696-GA-G.
Other names: c.2885del, p.Phe962fs (NM_001292009.2); short protein forms F962fs.
Identifiers: ClinVar variation 4814627 (VCV004814627.2).